The following is an entry in ClinVar:

NM_001244008.2(KIF1A):c.242T>C (p.Met81Thr)

Gene: KIF1A (kinesin family member 1A; minus strand). Cytogenetic location: 2q37.3.
Variant type: single nucleotide variant.
Coding change: c.242T>C on transcript NM_001244008.2 (MANE Select); coding-DNA position 242, T replaced by C.
Protein change: p.Met81Thr; replaces methionine 81 with threonine.
Molecular consequence: missense variant.
Genome position (GRCh38, 1-based): chr2:240,788,172, A>G on the plus strand (T>C on the coding strand, the complement: KIF1A is on the minus strand). VCF-style: chr2-240788172-A-G. GRCh37 (hg19) VCF-style: chr2-241727589-A-G.
Other names: c.242T>C, p.Met81Thr (NM_001320705.2, NM_001330289.2, NM_001330290.2 and 21 more transcripts); short protein forms M81T.
Identifiers: ClinVar variation 2952765 (VCV002952765.3), dbSNP rs2538438103, ClinGen allele CA351310719.

ClinVar aggregate classification (germline): Uncertain significance (1 of 4 stars; one submission).

Conditions:
Neuropathy, hereditary sensory, type 2C. Also called: KIF1A-Related HSAN2 (HSAN2C); Hereditary sensory and autonomic neuropathy type IIC. Identifiers: Orphanet 970, MedGen C3280168, MONDO:0013634, OMIM 614213.
Hereditary spastic paraplegia 30. Identifiers: Orphanet 101010, MedGen C5235139, MONDO:0012476.
Intellectual disability, autosomal dominant 9 (NESCAVS). Also called: NESCAV SYNDROME; KIF1A-Related Neurodevelopmental Disorder. Identifiers: Orphanet 662367, MedGen C5393830, MONDO:0013656, OMIM 614255.

Submission:

Labcorp Genetics (formerly Invitae), Labcorp
Classification: Uncertain significance for Hereditary spastic paraplegia 30; Neuropathy, hereditary sensory, type 2C; Intellectual disability, autosomal dominant 9. Last evaluated: 2023-10-10. Review status: criteria provided, single submitter. Criteria: Invitae Variant Classification Sherloc (09022015). Collection method: clinical testing. Allele origin: germline.
Comment: This sequence change replaces methionine, which is neutral and non-polar, with threonine, which is neutral and polar, at codon 81 of the KIF1A protein (p.Met81Thr). This variant is not present in population databases (gnomAD no frequency). This variant has not been reported in the literature in individuals affected with KIF1A-related conditions. Advanced modeling of protein sequence and biophysical properties (such as structural, functional, and spatial information, amino acid conservation, physicochemical variation, residue mobility, and thermodynamic stability) performed at Invitae indicates that this missense variant is expected to disrupt KIF1A protein function. In summary, the available evidence is currently insufficient to determine the role of this variant in disease. Therefore, it has been classified as a Variant of Uncertain Significance.